The following is an entry in ClinVar:

NM_173630.3(RTTN):c.-107C>T

Gene: RTTN (rotatin; minus strand). Cytogenetic location: 18q22.2.
Variant type: single nucleotide variant.
Coding change: c.-107C>T on transcript NM_173630.3; 107 bases upstream of the start codon, C replaced by T.
Genome position (GRCh38, 1-based): chr18:70,205,765, G>A on the plus strand (C>T on the coding strand, the complement: RTTN is on the minus strand). VCF-style: chr18-70205765-G-A. GRCh37 (hg19) VCF-style: chr18-67873001-G-A.
Identifiers: ClinVar variation 673109 (VCV000673109.4), dbSNP rs73966851, ClinGen allele CA301924649.

ClinVar aggregate classification (germline): Benign. Review status: criteria provided, multiple submitters, no conflicts (2 of 4 stars). 2 submissions from 2 submitters: Benign (2). Last evaluated 2018-06-14.

Allele frequency attached by ClinVar (database versions not stated): gnomAD 0.07083 and 0.07383; 1000 Genomes Project 0.07688; 1000 Genomes Project 30x 0.08026; gnomAD exomes 0.03058; TOPMed 0.07792.

Submissions (2):

GeneDx
Classification: Benign. Last evaluated: 2018-06-14. Review status: criteria provided, single submitter. Criteria: GeneDx Variant Classification (06012015). Collection method: clinical testing. Allele origin: germline. Affected: yes.
Comment: This variant is considered likely benign or benign based on one or more of the following criteria: it is a conservative change, it occurs at a poorly conserved position in the protein, it is predicted to be benign by multiple in silico algorithms, and/or has population frequency not consistent with disease.

Breakthrough Genomics
Classification: Benign. Review status: criteria provided, single submitter. Criteria: ACMG Guidelines, 2015. Collection method: not provided. Allele origin: germline. Inheritance: Autosomal recessive inheritance. Affected: yes.